The following is an entry in ClinVar:

NM_201384.3(PLEC):c.10157C>T (p.Ala3386Val)

Gene: PLEC (plectin; minus strand). Cytogenetic location: 8q24.3.
Variant type: single nucleotide variant.
Coding change: c.10157C>T on transcript NM_201384.3 (MANE Select); coding-DNA position 10157, C replaced by T.
Protein change: p.Ala3386Val; replaces alanine 3386 with valine.
Molecular consequence: missense variant.
Genome position (GRCh38, 1-based): chr8:143,919,664, G>A on the plus strand (C>T on the coding strand, the complement: PLEC is on the minus strand). VCF-style: chr8-143919664-G-A. GRCh37 (hg19) VCF-style: chr8-144993832-G-A.
Other names: c.10238C>T, p.Ala3413Val (NM_000445.5); c.10115C>T, p.Ala3372Val (NM_201378.4); c.10091C>T, p.Ala3364Val (NM_201379.3); c.10568C>T, p.Ala3523Val (NM_201380.4); c.10061C>T, p.Ala3354Val (NM_201381.3); c.10157C>T, p.Ala3386Val (NM_201382.4); c.10169C>T, p.Ala3390Val (NM_201383.3); short protein forms A3354V, A3364V, A3372V, A3386V, A3390V, A3413V, A3523V.
Identifiers: ClinVar variation 387299 (VCV000387299.14), dbSNP rs532234200, ClinGen allele CA4924737.
Genomic context (GRCh38, chr8:143,919,664, plus strand): 5'-CGCTGGTTCCGCACGGGGTCCACCAGGAAGCCAGTGGCCGCCTGCGCCTCCAGCAGGAGC[G>A]CAGCCGTTGTGGCTCTCAGCAGGCCCCGGCGCATGGCCTCGTAGATGGACACCTTCTCCT-3'
Protein context (NP_958786.1, residues 3376-3396): RRGLLRATTA[Ala3386Val]LLLEAQAATG

ClinVar aggregate classification (germline): Conflicting classifications of pathogenicity. Review status: criteria provided, conflicting classifications (1 of 4 stars). 6 submissions from 6 submitters: Uncertain significance (4); Likely benign (2). Last evaluated 2026-07-26.

Conditions:
PLEC-related disorder. Also called: PLEC-related disorders; PLEC-related condition.
Autosomal recessive limb-girdle muscular dystrophy type 2Q (LGMDR17). Also called: MUSCULAR DYSTROPHY, LIMB-GIRDLE, AUTOSOMAL RECESSIVE 17. Identifiers: Orphanet 254361, MedGen C3150989, MONDO:0013390, OMIM 613723.
Epidermolysis bullosa simplex 5B, with muscular dystrophy (EBS5B). Also called: EPIDERMOLYSIS BULLOSA SIMPLEX AND LIMB-GIRDLE MUSCULAR DYSTROPHY; Epidermolysis bullosa simplex with muscular dystrophy. Identifiers: Orphanet 257, MedGen C2931072, MONDO:0009181, OMIM 226670.
Epidermolysis bullosa simplex with nail dystrophy (EBS5D). Identifiers: MedGen C4225309, MONDO:0014661, OMIM 616487.
Epidermolysis bullosa simplex, Ogna type (EBS5A). Also called: Pidermolysis bullosa simplex 5A, Ogna type; EPIDERMOLYSIS BULLOSA SIMPLEX 5A, OGNA TYPE. Identifiers: Orphanet 79401, MedGen C0432317, MONDO:0007555, OMIM 131950.
Epidermolysis bullosa simplex 5C, with pyloric atresia (EBS5C). Also called: PLEC1-Related Epidermolysis Bullosa with Pyloric Atresia; PLEC-Related Epidermolysis Bullosa with Pyloric Atresia; Epidermolysis bullosa simplex with pyloric atresia. Identifiers: Orphanet 158684, MedGen C2677349, MONDO:0012807, OMIM 612138.

Allele frequency attached by ClinVar (database versions not stated): TOPMed 0.00013; 1000 Genomes Project 30x 0.00016; 1000 Genomes Project 0.00020; ExAC 0.00005; gnomAD 0.00009; gnomAD exomes 0.00010 and 0.00011.
gnomAD v4.1: 157 of 1,594,884 alleles (0.0098%); highest among the groups gnomAD compares: Middle Eastern, 0.034%; no homozygotes.

Submissions (6):

PreventionGenetics, part of Exact Sciences
Classification: Uncertain significance for PLEC-related condition. Last evaluated: 2026-07-26. Review status: criteria provided, single submitter. Criteria: ACMG Guidelines, 2015. Collection method: clinical testing. Allele origin: germline.
Comment: The PLEC c.10238C>T variant is predicted to result in the amino acid substitution p.Ala3413Val. To our knowledge, this variant has not been reported in the literature. This variant is reported in 0.027% of alleles in individuals of Latino descent in gnomAD. At this time, the clinical significance of this variant is uncertain due to the absence of conclusive functional and genetic evidence.

Labcorp Genetics (formerly Invitae), Labcorp
Classification: Uncertain significance for Autosomal recessive limb-girdle muscular dystrophy type 2Q; Epidermolysis bullosa simplex, Ogna type; Epidermolysis bullosa simplex with nail dystrophy; Epidermolysis bullosa simplex 5C, with pyloric atresia; Epidermolysis bullosa simplex 5B, with muscular dystrophy. Last evaluated: 2025-11-26. Review status: criteria provided, single submitter. Criteria: Invitae Variant Classification Sherloc (09022015). Collection method: clinical testing. Allele origin: germline.
Comment: This sequence change replaces alanine, which is neutral and non-polar, with valine, which is neutral and non-polar, at codon 3413 of the PLEC protein (p.Ala3413Val). This variant is present in population databases (rs532234200, gnomAD 0.03%). This variant has not been reported in the literature in individuals affected with PLEC-related conditions. ClinVar contains an entry for this variant (Variation ID: 387299). Invitae Evidence Modeling of protein sequence and biophysical properties (such as structural, functional, and spatial information, amino acid conservation, physicochemical variation, residue mobility, and thermodynamic stability) indicates that this missense variant is not expected to disrupt PLEC protein function with a negative predictive value of 80%. In summary, the available evidence is currently insufficient to determine the role of this variant in disease. Therefore, it has been classified as a Variant of Uncertain Significance.

Blueprint Genetics
Classification: Likely benign. Last evaluated: 2024-11-05. Review status: criteria provided, single submitter. Criteria: ACMG Guidelines, 2015. Collection method: clinical testing. Allele origin: germline.

Athena Diagnostics
Classification: Uncertain significance. Last evaluated: 2023-01-06. Review status: criteria provided, single submitter. Criteria: Athena Diagnostics Criteria. Collection method: clinical testing. Allele origin: unknown.
Comment: Available data are insufficient to determine the clinical significance of the variant at this time. The frequency of this variant in the general population is uninformative in assessment of its pathogenicity. Computational tools predict that this variant is not damaging.

Eurofins Ntd Llc (ga)
Classification: Uncertain significance. Last evaluated: 2017-01-23. Review status: criteria provided, single submitter. Criteria: EGL Classification Definitions 2015. Collection method: clinical testing. Allele origin: germline. Observed: 2 variant alleles, 2 heterozygotes.

GeneDx
Classification: Likely benign. Last evaluated: 2016-07-19. Review status: criteria provided, single submitter. Criteria: GeneDx Variant Classification (06012015). Collection method: clinical testing. Allele origin: germline. Affected: yes.
Comment: This variant is considered likely benign or benign based on one or more of the following criteria: it is a conservative change, it occurs at a poorly conserved position in the protein, it is predicted to be benign by multiple in silico algorithms, and/or has population frequency not consistent with disease.